The following is an entry in ClinVar:

NM_001365951.3(KIF1B):c.3691C>T (p.Pro1231Ser)

Gene: KIF1B (kinesin family member 1B; plus strand). Cytogenetic location: 1p36.22.
Variant type: single nucleotide variant.
Coding change: c.3691C>T on transcript NM_001365951.3 (MANE Select); coding-DNA position 3691, C replaced by T.
Protein change: p.Pro1231Ser; replaces proline 1231 with serine.
Molecular consequence: missense variant.
Genome position (GRCh38, 1-based): chr1:10,345,847, C>T. VCF-style: chr1-10345847-C-T. GRCh37 (hg19) VCF-style: chr1-10405905-C-T.
Other names: c.3691C>T, p.Pro1231Ser (NM_001365952.1); c.3553C>T, p.Pro1185Ser (NM_015074.3); short protein forms P1231S, P1185S.
Identifiers: ClinVar variation 2179999 (VCV002179999.5), dbSNP rs1478855365, ClinGen allele CA338342236.

ClinVar aggregate classification (germline): Uncertain significance. Review status: criteria provided, multiple submitters, no conflicts (2 of 4 stars). 2 submissions from 2 submitters: Uncertain significance (2). Last evaluated 2025-04-20.

Conditions:
Charcot-Marie-Tooth disease type 2. Also called: Charcot-Marie-Tooth type 2. Identifiers: Orphanet 64746, MedGen C0270914, MONDO:0018993.

Allele frequency attached by ClinVar (database versions not stated): TOPMed below 0.00001.

Submissions (2):

Labcorp Genetics (formerly Invitae), Labcorp
Classification: Uncertain significance for Charcot-Marie-Tooth disease type 2. Last evaluated: 2025-04-20. Review status: criteria provided, single submitter. Criteria: Invitae Variant Classification Sherloc (09022015). Collection method: clinical testing. Allele origin: germline.
Comment: This sequence change replaces proline, which is neutral and non-polar, with serine, which is neutral and polar, at codon 1185 of the KIF1B protein (p.Pro1185Ser). This variant is not present in population databases (gnomAD no frequency). This variant has not been reported in the literature in individuals affected with KIF1B-related conditions. ClinVar contains an entry for this variant (Variation ID: 2179999). An algorithm developed to predict the effect of missense changes on protein structure and function (PolyPhen-2) suggests that this variant is likely to be tolerated. In summary, the available evidence is currently insufficient to determine the role of this variant in disease. Therefore, it has been classified as a Variant of Uncertain Significance.

Ambry Genetics
Classification: Uncertain significance. Last evaluated: 2024-01-26. Review status: criteria provided, single submitter. Criteria: Ambry Variant Classification Scheme 2023. Collection method: clinical testing. Allele origin: germline.
Comment: The p.P1185S variant (also known as c.3553C>T), located in coding exon 32 of the KIF1B gene, results from a C to T substitution at nucleotide position 3553. The proline at codon 1185 is replaced by serine, an amino acid with similar properties. This amino acid position is conserved. In addition, the in silico prediction for this alteration is inconclusive. Based on the available evidence, the clinical significance of this alteration remains unclear.